The following is an entry in ClinVar:

ClinVar aggregate classification (germline): Benign/Likely benign. Review status: criteria provided, multiple submitters, no conflicts (2 of 4 stars). 3 submissions from 3 submitters: Benign (1); Likely benign (2). Last evaluated 2026-02-02.

Submissions (3):

Labcorp Genetics (formerly Invitae), Labcorp
Classification: Benign. Last evaluated: 2026-02-02. Review status: criteria provided, single submitter. Criteria: Invitae Variant Classification Sherloc (09022015). Collection method: clinical testing. Allele origin: germline.

Mayo Clinic Laboratories, Mayo Clinic
Classification: Likely benign. Last evaluated: 2025-06-18. Review status: criteria provided, single submitter. Criteria: ACMG Guidelines, 2015. Collection method: clinical testing. Allele origin: germline. Observed: 2 variant alleles.
Comment: BS2, BP4, BP7

Blueprint Genetics
Classification: Likely benign. Last evaluated: 2024-11-01. Review status: criteria provided, single submitter. Criteria: ACMG Guidelines, 2015. Collection method: clinical testing. Allele origin: germline.

NM_178526.5(SLC25A42):c.81+12_81+44dup

Gene: SLC25A42 (solute carrier family 25 member 42; plus strand). Cytogenetic location: 19p13.11.
Variant type: Duplication.
Coding change: c.81+12_81+44dup on transcript NM_178526.5 (MANE Select); bases 12 to 44 of the intron after coding-DNA position 81, 33 bases duplicated.
Molecular consequence: intron variant.
Genome position (GRCh38, 1-based): chr19:19,096,217-19,096,249, 33 bases duplicated; duplicating any 33 consecutive bases within chr19:19,096,213-19,096,249 gives the same sequence; the c. name uses the placement nearest the transcript's 3' end. GRCh37 (hg19): chr19:19,207,026-19,207,058.
Other names: p.?; c.81+12_81+44dup (NM_001321544.2).
Identifiers: ClinVar variation 1606383 (VCV001606383.10), dbSNP rs547409543, ClinGen allele CA9321333.